The following is an entry in ClinVar:

NM_000038.6(APC):c.2154del (p.Ile718fs)

Gene: APC (APC regulator of Wnt signaling pathway; plus strand). Cytogenetic location: 5q22.2.
Variant type: Deletion.
Coding change: c.2154del on transcript NM_000038.6 (MANE Select); coding-DNA position 2154, one base deleted (T; older notation c.2154delT).
Protein change: p.Ile718fs; shifts the reading frame from isoleucine 718.
Molecular consequence: frameshift variant. On other transcripts: non-coding transcript variant (2).
Genome position (GRCh38, 1-based): chr5:112,837,748, T deleted; the last of 2 consecutive T bases (chr5:112,837,747-112,837,748); deleting either gives the same sequence. VCF-style (leftmost placement, unchanged base first): chr5-112837746-AT-A. GRCh37 (hg19) VCF-style: chr5-112173443-AT-A.
Other names: c.2154del, p.Ile718fs (NM_001127510.3, NM_001354895.2, NM_001407450.1); c.2100del, p.Ile700fs (NM_001127511.3); c.2208del, p.Ile736fs (NM_001354896.2, NM_001407447.1, NM_001407448.1 and 1 more transcripts); c.2184del, p.Ile728fs (NM_001354897.2); c.2079del, p.Ile693fs (NM_001354898.2); c.2070del, p.Ile690fs (NM_001354899.2); c.2031del, p.Ile677fs (NM_001354900.2); c.1977del, p.Ile659fs (NM_001354901.2, NM_001407453.1); and 11 more; short protein forms I334fs, I435fs, I558fs, I589fs, I592fs, I617fs, I627fs, I635fs.
Identifiers: ClinVar variation 2583953 (VCV002583953.1), dbSNP rs2533400628, ClinGen allele CA2582341427.

ClinVar aggregate classification (germline): Pathogenic (1 of 4 stars; one submission).

Conditions:
Familial adenomatous polyposis 1 (FAP1). Also called: FAMILIAL ADENOMATOUS POLYPOSIS 1, ATTENUATED; POLYPOSIS, ADENOMATOUS INTESTINAL. Identifiers: MedGen C2713442, MONDO:0021056, OMIM 175100. Disease mechanism: loss of function.

Submission:

Myriad Genetics, Inc.
Classification: Pathogenic for Familial adenomatous polyposis 1. Last evaluated: 2023-05-04. Review status: criteria provided, single submitter. Criteria: Myriad Autosomal Dominant, Autosomal Recessive and X-Linked Classification Criteria (2023). Collection method: clinical testing. Allele origin: unknown.
Comment: This variant is considered pathogenic. This variant creates a frameshift predicted to result in premature protein truncation.